The following is an entry in ClinVar:

ClinVar aggregate classification (germline): Uncertain significance (1 of 4 stars; one submission).

Submission:

Women's Health and Genetics/Laboratory Corporation of America, LabCorp
Classification: Uncertain significance. Last evaluated: 2024-03-28. Review status: criteria provided, single submitter. Criteria: LabCorp Variant Classification Summary - May 2015. Collection method: clinical testing. Allele origin: germline.
Comment: Variant summary: COL4A3 c.2435G>T (p.Gly812Val) results in a non-conservative amino acid change in the encoded protein sequence. Five of five in-silico tools predict a damaging effect of the variant on protein function. The variant was absent in 178112 control chromosomes. The available data on variant occurrences in the general population are insufficient to allow any conclusion about variant significance. To our knowledge, no occurrence of c.2435G>T in individuals affected with Alport Syndrome, Autosomal Recessive and no experimental evidence demonstrating its impact on protein function have been reported. No submitters have cited clinical-significance assessments for this variant to ClinVar. Based on the evidence outlined above, the variant was classified as uncertain significance.

NM_000091.5(COL4A3):c.2435G>T (p.Gly812Val)

Genes: COL4A3 (collagen type IV alpha 3 chain; plus strand), MFF-DT (MFF divergent transcript; minus strand). Cytogenetic location: 2q36.3.
Variant type: single nucleotide variant.
Coding change: c.2435G>T on transcript NM_000091.5 (MANE Select); coding-DNA position 2435, G replaced by T.
Protein change: p.Gly812Val; replaces glycine 812 with valine.
Molecular consequence: missense variant.
Genome position (GRCh38, 1-based): chr2:227,280,953, G>T. VCF-style: chr2-227280953-G-T. GRCh37 (hg19) VCF-style: chr2-228145669-G-T.
Other names: short protein forms G812V.
Identifiers: ClinVar variation 3233700 (VCV003233700.2), dbSNP rs2071921153, ClinGen allele CA350849494.
Genomic context (GRCh38, chr2:227,280,953, plus strand): 5'-GAGATCCAGGGCAGCCTGGACCACCTGGAGAACAAGGACCCCCAGGAAGGTGCATAGAGG[G>T]TCCCAGGGGAGCCCAAGGACTTCCAGGCTTAAATGGATTGAAAGGGCAACAAGGTAGGAG-3'
Protein context (NP_000082.2, residues 802-822): EQGPPGRCIE[Gly812Val]PRGAQGLPGL